The following is an entry in ClinVar:

NM_000535.7(PMS2):c.2500A>T (p.Met834Leu)

Gene: PMS2 (PMS1 homolog 2, mismatch repair system component; minus strand). Cytogenetic location: 7p22.1.
Variant type: single nucleotide variant.
Coding change: c.2500A>T on transcript NM_000535.7 (MANE Select); coding-DNA position 2500, A replaced by T.
Protein change: p.Met834Leu; replaces methionine 834 with leucine.
Molecular consequence: missense variant. On other transcripts: non-coding transcript variant (1).
Genome position (GRCh38, 1-based): chr7:5,973,488, T>A on the plus strand (A>T on the coding strand, the complement: PMS2 is on the minus strand). VCF-style: chr7-5973488-T-A. GRCh37 (hg19) VCF-style: chr7-6013119-T-A.
Other names: c.2095A>T, p.Met699Leu (NM_001322003.2, NM_001322004.2, NM_001322005.2); c.2344A>T, p.Met782Leu (NM_001322006.2); c.2182A>T, p.Met728Leu (NM_001322007.2, NM_001322008.2); c.2128A>T, p.Met710Leu (NM_001322009.2); c.1939A>T, p.Met647Leu (NM_001322010.2); c.1567A>T, p.Met523Leu (NM_001322011.2, NM_001322012.2); c.1927A>T, p.Met643Leu (NM_001322013.2); c.2533A>T, p.Met845Leu (NM_001322014.2); and 1 more; short protein forms M834L, M643L, M647L, M710L, M728L, M782L, M699L, M731L.
Identifiers: ClinVar variation 486942 (VCV000486942.10), dbSNP rs1554292828, ClinGen allele CA366734926.

ClinVar aggregate classification (germline): Uncertain significance. Review status: criteria provided, multiple submitters, no conflicts (2 of 4 stars). 4 submissions from 4 submitters: Uncertain significance (3). 1 of the submissions does not count toward it. Last evaluated 2025-05-30.

Conditions:
Hereditary cancer-predisposing syndrome. Also called: Tumor predisposition; Hereditary Cancer Syndrome; Hereditary neoplastic syndrome; Neoplastic Syndromes, Hereditary. Identifiers: Orphanet 140162, MedGen C0027672, MeSH D009386, MONDO:0015356.
Hereditary nonpolyposis colorectal neoplasms. Identifiers: MedGen C0009405, MeSH D003123.

Submissions (4):

Color Diagnostics, LLC DBA Color Health
Classification: Uncertain significance for Hereditary cancer-predisposing syndrome. Last evaluated: 2025-05-30. Review status: criteria provided, single submitter. Criteria: ACMG Guidelines, 2015. Collection method: clinical testing. Allele origin: germline.
Comment: This missense variant replaces methionine with leucine at codon 834 of the PMS2 protein. Computational prediction is inconclusive regarding the impact of this variant on protein structure and function. To our knowledge, functional studies have not been reported for this variant. This variant has not been reported in individuals affected with PMS2-related disorders in the literature. This variant has not been identified in the general population by the Genome Aggregation Database (gnomAD). The available evidence is insufficient to determine the role of this variant in disease conclusively. Therefore, this variant is classified as a Variant of Uncertain Significance.

Labcorp Genetics (formerly Invitae), Labcorp
Classification: Uncertain significance for Hereditary nonpolyposis colorectal neoplasms. Last evaluated: 2023-04-25. Review status: criteria provided, single submitter. Criteria: Invitae Variant Classification Sherloc (09022015). Collection method: clinical testing. Allele origin: germline.
Comment: This sequence change replaces methionine, which is neutral and non-polar, with leucine, which is neutral and non-polar, at codon 834 of the PMS2 protein (p.Met834Leu). In summary, the available evidence is currently insufficient to determine the role of this variant in disease. Therefore, it has been classified as a Variant of Uncertain Significance. Advanced modeling of protein sequence and biophysical properties (such as structural, functional, and spatial information, amino acid conservation, physicochemical variation, residue mobility, and thermodynamic stability) performed at Invitae indicates that this missense variant is not expected to disrupt PMS2 protein function. ClinVar contains an entry for this variant (Variation ID: 486942). This variant has not been reported in the literature in individuals affected with PMS2-related conditions. The frequency data for this variant in the population databases (gnomAD) is considered unreliable due to the presence of homologous sequence, such as pseudogenes or paralogs, in the genome.

Ambry Genetics
Classification: Uncertain significance for Hereditary cancer-predisposing syndrome. Last evaluated: 2017-06-02. Review status: criteria provided, single submitter. Criteria: Ambry Variant Classification Scheme 2023. Collection method: clinical testing. Allele origin: germline.
Comment: The p.M834L variant (also known as c.2500A>T), located in coding exon 15 of the PMS2 gene, results from an A to T substitution at nucleotide position 2500. The methionine at codon 834 is replaced by leucine, an amino acid with highly similar properties. This amino acid position is highly conserved in available vertebrate species. In addition, the in silico prediction for this alteration is inconclusive. Since supporting evidence is limited at this time, the clinical significance of this alteration remains unclear.

Department of Pathology and Laboratory Medicine, Sinai Health System
Classification: Uncertain significance. Review status: no assertion criteria provided. Collection method: clinical testing. Allele origin: unknown. Affected: yes. Study: The Canadian Open Genetics Repository (COGR). Not counted in ClinVar's aggregate classification.